The following is an entry in ClinVar:

ClinVar aggregate classification (germline): Pathogenic (1 of 4 stars; one submission).

Conditions:
Dyskeratosis congenita, autosomal dominant 2. Identifiers: MedGen C3151443, MONDO:0013521, OMIM 613989.
Idiopathic Pulmonary Fibrosis. Also called: Idiopathic fibrosing alveolitis, chronic form; idiopathic fibrosing alveolitis. Identifiers: Orphanet 2032, MedGen C1800706, MeSH D054990, MONDO:0800504.

Submission:

Labcorp Genetics (formerly Invitae), Labcorp
Classification: Pathogenic for Dyskeratosis congenita, autosomal dominant 2; Idiopathic Pulmonary Fibrosis. Last evaluated: 2023-03-10. Review status: criteria provided, single submitter. Criteria: Invitae Variant Classification Sherloc (09022015). Collection method: clinical testing. Allele origin: germline.
Comment: For these reasons, this variant has been classified as Pathogenic. This variant has not been reported in the literature in individuals affected with TERT-related conditions. This variant is not present in population databases (gnomAD no frequency). This sequence change creates a premature translational stop signal (p.Leu616Aspfs*11) in the TERT gene. It is expected to result in an absent or disrupted protein product. Loss-of-function variants in TERT are known to be pathogenic (PMID: 16247010, 17460043).

Literature cited by the submitters: PubMed 16247010; PubMed 17460043.

NM_198253.3(TERT):c.1837_1841del (p.Leu616fs)

Gene: TERT (telomerase reverse transcriptase; minus strand). Cytogenetic location: 5p15.33.
Variant type: Deletion.
Coding change: c.1837_1841del on transcript NM_198253.3 (MANE Select); coding-DNA positions 1837 to 1841, 5 bases deleted (AGGCC; older notation c.1837_1841delAGGCC).
Protein change: p.Leu616fs; shifts the reading frame from leucine 616.
Molecular consequence: frameshift variant. On other transcripts: non-coding transcript variant (2).
Genome position (GRCh38, 1-based): chr5:1,280,267-1,280,271, GGCCT deleted on the plus strand (AGGCC on the coding strand, the reverse complement: TERT is on the minus strand); deleting any 5 consecutive bases within chr5:1,280,267-1,280,274 gives the same sequence; the c. name uses the placement nearest the transcript's 3' end. VCF-style (leftmost placement, unchanged base first): chr5-1280266-GGGCCT-G. GRCh37 (hg19) VCF-style: chr5-1280381-GGGCCT-G.
Other names: c.1837_1841del, p.Leu616fs (NM_001193376.3); c.1834_1838delGCCAG, p.Leu616Aspfs (NM_003219.1); short protein forms L616fs.
Identifiers: ClinVar variation 2944431 (VCV002944431.3), dbSNP rs2478285433, ClinGen allele CA2578259751.